The following is an entry in ClinVar:

NM_001723.7(DST):c.5577A>C (p.Gln1859His)

Gene: DST (dystonin; minus strand). Cytogenetic location: 6p12.1.
Variant type: single nucleotide variant.
Coding change: c.5577A>C on transcript NM_001723.7 (MANE Plus Clinical); coding-DNA position 5577, A replaced by C.
Protein change: p.Gln1859His; replaces glutamine 1859 with histidine.
Molecular consequence: missense variant. On other transcripts: intron variant (10).
Genome position (GRCh38, 1-based): chr6:56,618,457, T>G on the plus strand (A>C on the coding strand, the complement: DST is on the minus strand). VCF-style: chr6-56618457-T-G. GRCh37 (hg19) VCF-style: chr6-56483255-T-G.
Other names: c.4831-3973A>C (NM_001144769.5); c.4930-3973A>C (NM_001374722.1, NM_001374736.1); c.4957-3973A>C (NM_001374734.1); c.4417-3973A>C (NM_001144770.2); c.4297-3973A>C (NM_001374730.1, NM_001386100.1, NM_183380.4 and 1 more transcripts); c.3319-3973A>C (NM_015548.5); short protein forms Q1859H.
Identifiers: ClinVar variation 935311 (VCV000935311.10), dbSNP rs2098651873, ClinGen allele CA364567049.
Genomic context (GRCh38, chr6:56,618,457, plus strand): 5'-TTTGAAGGTACAGTCTTTGGCTGTGCTCTTTTTTTGAATTTCACACTGGAGCAAAACTAA[T>G]TGATGTTCATGCTCTTTGATCTGTTGGTCCATTTTTTGCTTCAGGTTTTCAACCTCACGC-3'
Protein context (NP_001714.1, residues 1849-1869): MDQQIKEHEH[Gln1859His]LVLLQCEIQK

ClinVar aggregate classification (germline): Uncertain significance (1 of 4 stars; one submission).

Conditions:
Hereditary sensory and autonomic neuropathy type 6. Also called: HSAN VI; Neuropathy, hereditary sensory and autonomic, type VI. Identifiers: Orphanet 314381, MedGen C3539003, MONDO:0013839, OMIM 614653.
Epidermolysis bullosa simplex 3, localized or generalized intermediate, with BP230 deficiency (EBS3). Also called: Epidermolysis bullosa simplex, autosomal recessive 2; Epidermolysis bullosa simplex due to BP230 deficiency. Identifiers: Orphanet 412181, MedGen C3809470, MONDO:0014180, OMIM 615425.

Submission:

Labcorp Genetics (formerly Invitae), Labcorp
Classification: Uncertain significance for Epidermolysis bullosa simplex 3, localized or generalized intermediate, with BP230 deficiency; Hereditary sensory and autonomic neuropathy type 6. Last evaluated: 2019-06-07. Review status: criteria provided, single submitter. Criteria: Invitae Variant Classification Sherloc (09022015). Collection method: clinical testing. Allele origin: germline.
Comment: This variant has not been reported in the literature in individuals with DST-related conditions. In summary, the available evidence is currently insufficient to determine the role of this variant in disease. Therefore, it has been classified as a Variant of Uncertain Significance. Algorithms developed to predict the effect of missense changes on protein structure and function are either unavailable or do not agree on the potential impact of this missense change (SIFT: "Deleterious"; PolyPhen-2: "Benign"; Align-GVGD: "Class C15"). This variant is not present in population databases (ExAC no frequency). This sequence change replaces glutamine with histidine at codon 1859 of the DST protein (p.Gln1859His). The glutamine residue is highly conserved and there is a small physicochemical difference between glutamine and histidine.